The following is an entry in ClinVar:

ClinVar aggregate classification (germline): Uncertain significance. Review status: criteria provided, multiple submitters, no conflicts (2 of 4 stars). 2 submissions from 2 submitters: Uncertain significance (2). Last evaluated 2024-07-30.

Conditions:
Inborn genetic diseases. Identifiers: MedGen C0950123, MeSH D030342.

Allele frequency attached by ClinVar (database versions not stated): ExAC 0.00003; gnomAD 0.00003; TOPMed 0.00004; gnomAD exomes 0.00005; ESP Exome Variant Server 0.00008.
gnomAD v4.1: 78 of 1,613,324 alleles (0.0048%); highest among the groups gnomAD compares: Non-Finnish European, 0.0061%; no homozygotes.

Submissions (2):

Ambry Genetics
Classification: Uncertain significance for Inborn genetic diseases. Last evaluated: 2024-07-30. Review status: criteria provided, single submitter. Criteria: Ambry Variant Classification Scheme 2023. Collection method: clinical testing. Allele origin: germline.

Labcorp Genetics (formerly Invitae), Labcorp
Classification: Uncertain significance. Last evaluated: 2022-06-22. Review status: criteria provided, single submitter. Criteria: Invitae Variant Classification Sherloc (09022015). Collection method: clinical testing. Allele origin: germline.
Comment: This sequence change replaces arginine, which is basic and polar, with tryptophan, which is neutral and slightly polar, at codon 108 of the COL27A1 protein (p.Arg108Trp). This variant is present in population databases (rs201093507, gnomAD 0.004%). This variant has not been reported in the literature in individuals affected with COL27A1-related conditions. Advanced modeling of protein sequence and biophysical properties (such as structural, functional, and spatial information, amino acid conservation, physicochemical variation, residue mobility, and thermodynamic stability) performed at Invitae indicates that this missense variant is not expected to disrupt COL27A1 protein function. In summary, the available evidence is currently insufficient to determine the role of this variant in disease. Therefore, it has been classified as a Variant of Uncertain Significance.

NM_032888.4(COL27A1):c.322C>T (p.Arg108Trp)

Gene: COL27A1 (collagen type XXVII alpha 1 chain; plus strand). Cytogenetic location: 9q32.
Variant type: single nucleotide variant.
Coding change: c.322C>T on transcript NM_032888.4 (MANE Select); coding-DNA position 322, C replaced by T.
Protein change: p.Arg108Trp; replaces arginine 108 with tryptophan.
Molecular consequence: missense variant.
Genome position (GRCh38, 1-based): chr9:114,167,877, C>T. VCF-style: chr9-114167877-C-T. GRCh37 (hg19) VCF-style: chr9-116930157-C-T.
Other names: c.322C>T (NM_032888.2); short protein forms R108W.
Identifiers: ClinVar variation 2201978 (VCV002201978.2), dbSNP rs201093507, ClinGen allele CA5201113.